The following is an entry in ClinVar:

NM_003673.4(TCAP):c.110+10G>A

Gene: TCAP (titin-cap; plus strand). Cytogenetic location: 17q12.
Variant type: single nucleotide variant.
Coding change: c.110+10G>A on transcript NM_003673.4 (MANE Select); 10 bases into the intron after coding-DNA position 110, G replaced by A.
Molecular consequence: intron variant.
Genome position (GRCh38, 1-based): chr17:39,665,479, G>A. VCF-style: chr17-39665479-G-A. GRCh37 (hg19) VCF-style: chr17-37821732-G-A.
Identifiers: ClinVar variation 1003581 (VCV001003581.9), dbSNP rs1259726775, ClinGen allele CA771857958.
Genomic context (GRCh38, chr17:39,665,479, plus strand): 5'-CTTCTGGGCAGAATGGAAGGATCTGACACTGTCCACACGGCCCGAGGAGGGGTGAGTGTG[G>A]GTCTGCTAGAGCCCTGCCTCTGCTCCCCCAGAGCACCCTCACTGAGCCATGAGGCCAGAG-3'

ClinVar aggregate classification (germline): Uncertain significance (1 of 4 stars; one submission).

Conditions:
Primary familial hypertrophic cardiomyopathy (HCM). Identifiers: Orphanet 99739, MedGen C0949658, MeSH D024741, MONDO:0024573. Inheritance: Various modes of inheritance.
Hypertrophic cardiomyopathy 25 (CMH25). Also called: CARDIOMYOPATHY, FAMILIAL HYPERTROPHIC, 25. Identifiers: MedGen C4225408, MONDO:0011843, OMIM 607487.

Allele frequency attached by ClinVar (database versions not stated): TOPMed below 0.00001; gnomAD 0.00001.
gnomAD v4.1: 1 of 1,610,656 alleles (0.000062%); highest among the groups gnomAD compares: Non-Finnish European, 0.000085%; no homozygotes.

Submission:

Labcorp Genetics (formerly Invitae), Labcorp
Classification: Uncertain significance for Hypertrophic cardiomyopathy 25; Primary familial hypertrophic cardiomyopathy. Last evaluated: 2022-10-23. Review status: criteria provided, single submitter. Criteria: Invitae Variant Classification Sherloc (09022015). Collection method: clinical testing. Allele origin: germline.
Comment: This variant has not been reported in the literature in individuals affected with TCAP-related conditions. This variant is not present in population databases (gnomAD no frequency). This sequence change falls in intron 1 of the TCAP gene. It does not directly change the encoded amino acid sequence of the TCAP protein. ClinVar contains an entry for this variant (Variation ID: 1003581). In summary, the available evidence is currently insufficient to determine the role of this variant in disease. Therefore, it has been classified as a Variant of Uncertain Significance. Algorithms developed to predict the effect of sequence changes on RNA splicing suggest that this variant may create or strengthen a splice site.